The following is an entry in ClinVar:

ClinVar aggregate classification (germline): Conflicting classifications of pathogenicity. Review status: criteria provided, conflicting classifications (1 of 4 stars). 2 submissions from 2 submitters: Uncertain significance (1); Likely benign (1). Last evaluated 2023-03-23.

Conditions:
Hereditary cancer-predisposing syndrome. Also called: Hereditary Cancer Syndrome; Hereditary neoplastic syndrome; Neoplastic Syndromes, Hereditary; Tumor predisposition. Identifiers: Orphanet 140162, MedGen C0027672, MeSH D009386, MONDO:0015356.
Hereditary breast ovarian cancer syndrome. Also called: Hereditary breast and ovarian cancer syndrome (HBOC); Breast and ovarian cancer; Hereditary breast and/or ovarian cancer syndrome; BRCA1- and BRCA2-Associated Hereditary Breast and Ovarian Cancer; Hereditary breast and ovarian cancer syndrome; Hereditary breast and ovarian cancer. Identifiers: Orphanet 145, MedGen C0677776, MeSH D061325, MONDO:0003582. Disease mechanism: loss of function.

Submissions (2):

University of Washington Department of Laboratory Medicine, University of Washington
Classification: Likely benign for Hereditary cancer-predisposing syndrome. Last evaluated: 2023-03-23. Review status: criteria provided, single submitter. Criteria: Dines et al. (Genet Med. 2020). Collection method: curation. Allele origin: germline.
Comment: Missense variant in a coldspot region where missense variants are very unlikely to be pathogenic (PMID:31911673).

BRCA1 coldspot (exon 11 using historical exon numbering). Reclassification based on statistical prior probability

Labcorp Genetics (formerly Invitae), Labcorp
Classification: Uncertain significance for Hereditary breast ovarian cancer syndrome. Last evaluated: 2020-02-18. Review status: criteria provided, single submitter. Criteria: Invitae Variant Classification Sherloc (09022015). Collection method: clinical testing. Allele origin: germline.
Comment: In summary, the available evidence is currently insufficient to determine the role of this variant in disease. Therefore, it has been classified as a Variant of Uncertain Significance. Algorithms developed to predict the effect of missense changes on protein structure and function (SIFT, PolyPhen-2, Align-GVGD) all suggest that this variant is likely to be tolerated, but these predictions have not been confirmed by published functional studies and their clinical significance is uncertain. This variant has not been reported in the literature in individuals with BRCA1-related conditions. This variant is not present in population databases (ExAC no frequency). This sequence change replaces lysine with glutamic acid at codon 1160 of the BRCA1 protein (p.Lys1160Glu). The lysine residue is moderately conserved and there is a small physicochemical difference between lysine and glutamic acid.

NM_007294.4(BRCA1):c.3478A>G (p.Lys1160Glu)

Genes: BRCA1 (BRCA1 DNA repair associated; minus strand), LOC126862571 (BRD4-independent group 4 enhancer GRCh37_chr17:41243136-41244335; plus strand). Cytogenetic location: 17q21.31.
Variant type: single nucleotide variant.
Coding change: c.3478A>G on transcript NM_007294.4 (MANE Select); coding-DNA position 3478, A replaced by G.
Protein change: p.Lys1160Glu; replaces lysine 1160 with glutamic acid.
Molecular consequence: missense variant. On other transcripts: intron variant (135).
Genome position (GRCh38, 1-based): chr17:43,092,053, T>C on the plus strand (A>G on the coding strand, the complement: BRCA1 is on the minus strand). VCF-style: chr17-43092053-T-C. GRCh37 (hg19) VCF-style: chr17-41244070-T-C.
Other names: c.644-1021A>G (NM_001408468.1, NM_001408465.1, NM_001408470.1 and 3 more transcripts); c.524-1021A>G (NM_001408501.1, NM_001408500.1, NM_001408497.1 and 3 more transcripts); c.647-1021A>G (NM_001408455.1, NM_001408457.1, NM_001408466.1 and 11 more transcripts); c.578-1021A>G (NM_001408513.1, NM_001408482.1, NM_001408489.1 and 9 more transcripts); c.404-1021A>G (NM_001408511.1); c.521-1021A>G (NM_001408505.1, NM_001408503.1, NM_001408504.1); c.461-1021A>G (NM_001408507.1, NM_001408506.1); c.788-1021A>G (NM_001407973.1, NM_001408403.1, NM_001407983.1 and 17 more transcripts); and 41 more; short protein forms K1113E, K1160E, K1049E, K1071E, K1092E, K1134E, K1157E, K292E.
Identifiers: ClinVar variation 1063657 (VCV001063657.12), dbSNP rs2154311006, ClinGen allele CA10595024.
Genomic context (GRCh38, chr17:43,092,053, plus strand): 5'-TTTTGCTAAAAACAGCAGAACTTTCCTTAATGTCATTTTCAGCAAAACTAGTATCTTCCT[T>C]TATTTCACCATCATCTAACAGGTCATCAGGTGTCTCAGAACAAACCTGAGATGCATGACT-3'
Protein context (NP_009225.1, residues 1150-1170): PDDLLDDGEI[Lys1160Glu]EDTSFAENDI